The following is an entry in ClinVar:

NM_003239.5(TGFB3):c.188C>A (p.Thr63Asn)

Gene: TGFB3 (transforming growth factor beta 3; minus strand). Cytogenetic location: 14q24.3.
Variant type: single nucleotide variant.
Coding change: c.188C>A on transcript NM_003239.5 (MANE Select); coding-DNA position 188, C replaced by A.
Protein change: p.Thr63Asn; replaces threonine 63 with asparagine.
Molecular consequence: missense variant.
Genome position (GRCh38, 1-based): chr14:75,980,706, G>T on the plus strand (C>A on the coding strand, the complement: TGFB3 is on the minus strand). VCF-style: chr14-75980706-G-T. GRCh37 (hg19) VCF-style: chr14-76447049-G-T.
Other names: c.188C>A, p.Thr63Asn (NM_001329938.2, NM_001329939.2); short protein forms T63N.
Identifiers: ClinVar variation 643608 (VCV000643608.17), dbSNP rs757664433, ClinGen allele CA7280499.

ClinVar aggregate classification (germline): Conflicting classifications of pathogenicity. Review status: criteria provided, conflicting classifications (1 of 4 stars). 4 submissions from 4 submitters: Uncertain significance (2); Likely benign (2). Last evaluated 2025-12-23.

Conditions:
Rienhoff syndrome. Also called: LOEYS-DIETZ SYNDROME 5. Identifiers: MedGen C3810012, MONDO:0014262, OMIM 615582.
Familial thoracic aortic aneurysm and aortic dissection (TAAD). Also called: Thoracic aortic aneurysms and dissections. Identifiers: Orphanet 91387, MedGen C4707243, MONDO:0019625.

Allele frequency attached by ClinVar (database versions not stated): gnomAD exomes 0.00002 and 0.00004; TOPMed 0.00002; ExAC 0.00004.

Submissions (4):

Labcorp Genetics (formerly Invitae), Labcorp
Classification: Uncertain significance for Rienhoff syndrome. Last evaluated: 2025-12-23. Review status: criteria provided, single submitter. Criteria: Invitae Variant Classification Sherloc (09022015). Collection method: clinical testing. Allele origin: germline.
Comment: This sequence change replaces threonine, which is neutral and polar, with asparagine, which is neutral and polar, at codon 63 of the TGFB3 protein (p.Thr63Asn). This variant is present in population databases (rs757664433, gnomAD 0.05%). This missense change has been observed in individual(s) with clinical features of TGFB3-related conditions (PMID: 38958168). ClinVar contains an entry for this variant (Variation ID: 643608). Invitae Evidence Modeling of protein sequence and biophysical properties (such as structural, functional, and spatial information, amino acid conservation, physicochemical variation, residue mobility, and thermodynamic stability) indicates that this missense variant is not expected to disrupt TGFB3 protein function with a negative predictive value of 80%. In summary, the available evidence is currently insufficient to determine the role of this variant in disease. Therefore, it has been classified as a Variant of Uncertain Significance.

Ambry Genetics
Classification: Likely benign for Familial thoracic aortic aneurysm and aortic dissection. Last evaluated: 2024-06-24. Review status: criteria provided, single submitter. Criteria: Ambry Variant Classification Scheme 2023. Collection method: clinical testing. Allele origin: germline.

Blueprint Genetics
Classification: Likely benign. Last evaluated: 2022-03-09. Review status: criteria provided, single submitter. Criteria: ACMG Guidelines, 2015. Collection method: clinical testing. Allele origin: germline.

GeneDx
Classification: Uncertain significance. Last evaluated: 2020-12-31. Review status: criteria provided, single submitter. Criteria: GeneDx Variant Classification Process June 2021. Collection method: clinical testing. Allele origin: germline. Affected: yes.
Comment: Has not been previously published as pathogenic or benign to our knowledge; In silico analysis, which includes protein predictors and evolutionary conservation, supports that this variant does not alter protein structure/function; Reported in ClinVar as a variant of uncertain significance (ClinVar Variant ID# 643608; Landrum et al., 2016)

Literature cited by the submitters: PubMed 38958168 (cited by Labcorp Genetics (formerly Invitae), Labcorp); PubMed 24125834 (cited by Ambry Genetics).